The following is an entry in ClinVar:

NM_003743.5(NCOA1):c.3912C>A (p.Pro1304=)

Gene: NCOA1 (nuclear receptor coactivator 1; plus strand). Cytogenetic location: 2p23.3.
Variant type: single nucleotide variant.
Coding change: c.3912C>A on transcript NM_003743.5 (MANE Select); coding-DNA position 3912, C replaced by A.
Protein change: p.Pro1304=; no amino-acid change (proline 1304 retained).
Molecular consequence: synonymous variant.
Genome position (GRCh38, 1-based): chr2:24,758,003, C>A. VCF-style: chr2-24758003-C-A. GRCh37 (hg19) VCF-style: chr2-24980872-C-A.
Other names: c.3912C>A, p.Pro1304= (NM_001362950.1, NM_001362952.1, NM_001362954.1 and 3 more transcripts).
Identifiers: ClinVar variation 3356503 (VCV003356503.1).

ClinVar aggregate classification (germline): Likely benign (0 of 4 stars; one submission).

Conditions:
NCOA1-related disorder. Also called: NCOA1-related condition.

gnomAD v4.1: 4 of 1,613,882 alleles (0.00025%); highest among the groups gnomAD compares: African/African-American, 0.0013%; no homozygotes.

Submission:

PreventionGenetics, part of Exact Sciences
Classification: Likely benign for NCOA1-related condition. Last evaluated: 2023-06-13. Review status: no assertion criteria provided. Collection method: clinical testing. Allele origin: germline.
Comment: This variant is classified as likely benign based on ACMG/AMP sequence variant interpretation guidelines (Richards et al. 2015 PMID: 25741868, with internal and published modifications).